The following is an entry in ClinVar:

NM_000417.3(IL2RA):c.166del (p.Arg56fs)

Gene: IL2RA (interleukin 2 receptor subunit alpha; minus strand). Cytogenetic location: 10p15.1.
Variant type: Deletion.
Coding change: c.166del on transcript NM_000417.3 (MANE Select); coding-DNA position 166, one base deleted (C; older notation c.166delC).
Protein change: p.Arg56fs; shifts the reading frame from arginine 56.
Molecular consequence: frameshift variant.
Genome position (GRCh38, 1-based): chr10:6,025,924, G deleted on the plus strand (C on the coding strand, the reverse complement: IL2RA is on the minus strand); the first of 2 consecutive G bases (chr10:6,025,924-6,025,925); deleting either gives the same sequence. VCF-style (leftmost placement, unchanged base first): chr10-6025923-CG-C. GRCh37 (hg19) VCF-style: chr10-6067886-CG-C.
Other names: p.Arg56fs; c.166del, p.Arg56fs (NM_001308242.2, NM_001308243.2); c.166delC (NM_000417.3); short protein forms R56fs.
Identifiers: ClinVar variation 4277521 (VCV004277521.1).
Genomic context (GRCh38, chr10:6,025,923, plus strand): 5'-CAGGACGAGTGGCTAGAGTTTCCTGTACAGAGCATATAGAGTGACCCGCTTTTTATTCTG[CG>C]GAAACCTCTCTTGCATTCACAGTTCAACATGGTTCCTTCCTTGTAGGCCATGGCTTTGAA-3'

ClinVar aggregate classification (germline): Pathogenic (1 of 4 stars; one submission).

Conditions:
Immunodeficiency due to CD25 deficiency. Also called: IMMUNODEFICIENCY 41 WITH LYMPHOPROLIFERATION AND AUTOIMMUNITY; CD25 DEFICIENCY; IL2RA DEFICIENCY. Identifiers: Orphanet 169100, MedGen C1853392, MONDO:0011664, OMIM 606367.

Submission:

Pediatrics Department, King Faisal Specialist Hospital and Research Centre
Classification: Pathogenic for Immunodeficiency due to CD25 deficiency. Last evaluated: 2017-08-01. Review status: criteria provided, single submitter. Criteria: ACMG Guidelines, 2015. Collection method: clinical testing. Allele origin: germline. Inheritance: Autosomal recessive inheritance. Affected: yes. Observed: 1 homozygote.
Comment: This novel variant was classified as pathogenic in a clinical diagnostic setting. The homozygous loss-of-function variant IL2RA c.166delC (p.Arg56fs) is predicted to result in a truncated protein or nonsense-mediated decay. For the IL2RA gene, haploinsufficiency is a known mechanism of disease, and homozygous loss-of-function variants are an established cause of Autosomal Recessive Immunodeficiency 41 with lymphoproliferation and autoimmunity (OMIM:606367).

Literature cited by the submitters: DOI 10.3389/fimmu.2026.1716101.